The following is an entry in ClinVar:

ClinVar aggregate classification (germline): Uncertain significance. Review status: criteria provided, multiple submitters, no conflicts (2 of 4 stars). 2 submissions from 2 submitters: Uncertain significance (2). Last evaluated 2023-03-19.

Conditions:
Brugada syndrome 5 (BRGDA5). Identifiers: Orphanet 130, Orphanet 871, MedGen C2748541, MONDO:0013015, OMIM 612838.
SCN1B-related disorder. Also called: SCN1B-Related Disorders; SCN1B-related condition.

Submissions (2):

Labcorp Genetics (formerly Invitae), Labcorp
Classification: Uncertain significance for Brugada syndrome 5. Last evaluated: 2023-03-19. Review status: criteria provided, single submitter. Criteria: Invitae Variant Classification Sherloc (09022015). Collection method: clinical testing. Allele origin: germline.
Comment: In summary, the available evidence is currently insufficient to determine the role of this variant in disease. Therefore, it has been classified as a Variant of Uncertain Significance. An algorithm developed to predict the effect of missense changes on protein structure and function (PolyPhen-2) suggests that this variant is likely to be disruptive. ClinVar contains an entry for this variant (Variation ID: 2162459). This variant has not been reported in the literature in individuals affected with SCN1B-related conditions. This variant is not present in population databases (gnomAD no frequency). This sequence change replaces glycine, which is neutral and non-polar, with serine, which is neutral and polar, at codon 97 of the SCN1B protein (p.Gly97Ser).

PreventionGenetics, part of Exact Sciences
Classification: Uncertain significance for SCN1B-related condition. Last evaluated: 2022-10-07. Review status: criteria provided, single submitter. Criteria: ACMG Guidelines, 2015. Collection method: clinical testing. Allele origin: germline.
Comment: The SCN1B c.289G>A variant is predicted to result in the amino acid substitution p.Gly97Ser. To our knowledge, this variant has not been reported in the literature or in a large population database, indicating this variant is rare. At this time, the clinical significance of this variant is uncertain due to the absence of conclusive functional and genetic evidence.

NM_001037.5(SCN1B):c.289G>A (p.Gly97Ser)

Gene: SCN1B (sodium voltage-gated channel beta subunit 1; plus strand). Cytogenetic location: 19q13.11.
Variant type: single nucleotide variant.
Coding change: c.289G>A on transcript NM_001037.5 (MANE Select); coding-DNA position 289, G replaced by A.
Protein change: p.Gly97Ser; replaces glycine 97 with serine.
Molecular consequence: missense variant.
Genome position (GRCh38, 1-based): chr19:35,033,580, G>A. VCF-style: chr19-35033580-G-A. GRCh37 (hg19) VCF-style: chr19-35524484-G-A.
Other names: c.190G>A, p.Gly64Ser (NM_001321605.2); c.289G>A, p.Gly97Ser (NM_199037.5); c.289G>A (NM_001037.4); short protein forms G97S, G64S.
Identifiers: ClinVar variation 2162459 (VCV002162459.5), dbSNP rs2514234438, ClinGen allele CA405328704.